The following is an entry in ClinVar:

NM_006206.6(PDGFRA):c.3222_3224del (p.Asp1075del)

Gene: PDGFRA (platelet derived growth factor receptor alpha; plus strand). Cytogenetic location: 4q12.
Variant type: Deletion.
Coding change: c.3222_3224del on transcript NM_006206.6 (MANE Select); coding-DNA positions 3222 to 3224, 3 bases deleted (TGA; older notation c.3222_3224delTGA).
Protein change: p.Asp1075del; deletes aspartic acid 1075.
Molecular consequence: inframe deletion.
Genome position (GRCh38, 1-based): chr4:54,295,224-54,295,226, TGA deleted; deleting any 3 consecutive bases within chr4:54,295,222-54,295,226 gives the same sequence; the c. name uses the placement nearest the transcript's 3' end. VCF-style (leftmost placement, unchanged base first): chr4-54295221-GGAT-G. GRCh37 (hg19) VCF-style: chr4-55161388-GGAT-G.
Other names: c.3297_3299del, p.Asp1100del (NM_001347828.2); c.3222_3224del, p.Asp1075del (NM_001347829.2); c.3261_3263del, p.Asp1088del (NM_001347830.2); short protein forms D1100del, D1075del, D1088del.
Identifiers: ClinVar variation 4732043 (VCV004732043.2).

ClinVar aggregate classification (germline): Uncertain significance. Review status: criteria provided, multiple submitters, no conflicts (2 of 4 stars). 2 submissions from 2 submitters: Uncertain significance (2). Last evaluated 2026-06-29.

Conditions:
Gastrointestinal stromal tumor. Also called: Gastrointestinal stroma tumor; Gastrointestinal stromal tumor, somatic. Identifiers: Orphanet 44890, MedGen C0238198, MeSH D046152, MONDO:0011719, OMIM 606764, HP:0100723.
Hereditary cancer-predisposing syndrome. Also called: Hereditary Cancer Syndrome; Hereditary neoplastic syndrome; Neoplastic Syndromes, Hereditary; Tumor predisposition. Identifiers: Orphanet 140162, MedGen C0027672, MeSH D009386, MONDO:0015356.

Submissions (2):

Ambry Genetics
Classification: Uncertain significance for Hereditary cancer-predisposing syndrome. Last evaluated: 2026-06-29. Review status: criteria provided, single submitter. Criteria: Ambry Variant Classification Scheme 2023. Collection method: clinical testing. Allele origin: germline.
Comment: The c.3222_3224delTGA variant (also known as p.D1075del) is located in coding exon 22 of the PDGFRA gene. This variant results from an in-frame TGA deletion at nucleotide positions 3222 to 3224. This results in the in-frame deletion of an aspartic acid at codon 1075. This amino acid position is well conserved in available vertebrate species. In addition, the in silico prediction for this variant is inconclusive (Choi Y et al. PLoS ONE. 2012; 7(10):e46688). Based on the available evidence, the clinical significance of this variant remains unclear.

Labcorp Genetics (formerly Invitae), Labcorp
Classification: Uncertain significance for Gastrointestinal stromal tumor. Last evaluated: 2025-11-26. Review status: criteria provided, single submitter. Criteria: Invitae Variant Classification Sherloc (09022015). Collection method: clinical testing. Allele origin: germline.
Comment: This variant, c.3222_3224del, results in the deletion of 1 amino acid(s) of the PDGFRA protein (p.Asp1075del), but otherwise preserves the integrity of the reading frame. This variant is not present in population databases (gnomAD no frequency). This variant has not been reported in the literature in individuals affected with PDGFRA-related conditions. Experimental studies and prediction algorithms are not available or were not evaluated, and the functional significance of this variant is currently unknown. In summary, the available evidence is currently insufficient to determine the role of this variant in disease. Therefore, it has been classified as a Variant of Uncertain Significance.